The following is an entry in ClinVar:

ClinVar aggregate classification (germline): Uncertain significance. Review status: criteria provided, multiple submitters, no conflicts (2 of 4 stars). 2 submissions from 2 submitters: Uncertain significance (2). Last evaluated 2025-04-29.

Conditions:
Charcot-Marie-Tooth disease axonal type 2O. Also called: Charcot-Marie-Tooth disease, axonal, type 20; CHARCOT-MARIE-TOOTH NEUROPATHY, AXONAL, TYPE 2O; CHARCOT-MARIE-TOOTH DISEASE, AXONAL, AUTOSOMAL DOMINANT, TYPE 2O; Charcot-Marie-Tooth Neuropathy Type 2O. Identifiers: Orphanet 284232, MedGen C3280220, MONDO:0013644, OMIM 614228.

Submissions (2):

GeneDx
Classification: Uncertain significance. Last evaluated: 2025-04-29. Review status: criteria provided, single submitter. Criteria: GeneDx Variant Classification Process June 2021. Collection method: clinical testing. Allele origin: germline. Affected: yes.
Comment: Not observed at significant frequency in large population cohorts (gnomAD); In silico analysis supports that this missense variant has a deleterious effect on protein structure/function; Has not been previously published as pathogenic or benign to our knowledge; This variant is associated with the following publications: (PMID: 25512093, 25609763, 26100331)

Labcorp Genetics (formerly Invitae), Labcorp
Classification: Uncertain significance for Charcot-Marie-Tooth disease axonal type 2O. Last evaluated: 2022-08-09. Review status: criteria provided, single submitter. Criteria: Invitae Variant Classification Sherloc (09022015). Collection method: clinical testing. Allele origin: germline.
Comment: This variant is not present in population databases (gnomAD no frequency). Advanced modeling of protein sequence and biophysical properties (such as structural, functional, and spatial information, amino acid conservation, physicochemical variation, residue mobility, and thermodynamic stability) performed at Invitae indicates that this missense variant is not expected to disrupt DYNC1H1 protein function. This variant has not been reported in the literature in individuals affected with DYNC1H1-related conditions. This sequence change replaces threonine, which is neutral and polar, with alanine, which is neutral and non-polar, at codon 2571 of the DYNC1H1 protein (p.Thr2571Ala). In summary, the available evidence is currently insufficient to determine the role of this variant in disease. Therefore, it has been classified as a Variant of Uncertain Significance.

NM_001376.5(DYNC1H1):c.7711A>G (p.Thr2571Ala)

Gene: DYNC1H1 (dynein cytoplasmic 1 heavy chain 1; plus strand). Cytogenetic location: 14q32.31.
Variant type: single nucleotide variant.
Coding change: c.7711A>G on transcript NM_001376.5 (MANE Select); coding-DNA position 7711, A replaced by G.
Protein change: p.Thr2571Ala; replaces threonine 2571 with alanine.
Molecular consequence: missense variant.
Genome position (GRCh38, 1-based): chr14:102,016,862, A>G. VCF-style: chr14-102016862-A-G. GRCh37 (hg19) VCF-style: chr14-102483199-A-G.
Other names: short protein forms T2571A.
Identifiers: ClinVar variation 2114130 (VCV002114130.5), dbSNP rs2503771887, ClinGen allele CA391002747.
Genomic context (GRCh38, chr14:102,016,862, plus strand): 5'-AAGGTGCCTCAGATTGAAGTGGAGACGCACAAGGTGGCAGCCCCTGATGTCGTCGTGCCA[A>G]CGCTGGACACAGTCCGCCACGAAGCCCTCTTGTACACTTGGCTGGCCGAACACAAGCCCC-3'
Protein context (NP_001367.2, residues 2561-2581): KVAAPDVVVP[Thr2571Ala]LDTVRHEALL